The following is an entry in ClinVar:

NM_003482.4(KMT2D):c.8727A>G (p.Val2909=)

Gene: KMT2D (lysine methyltransferase 2D; minus strand). Cytogenetic location: 12q13.12.
Variant type: single nucleotide variant.
Coding change: c.8727A>G on transcript NM_003482.4 (MANE Select); coding-DNA position 8727, A replaced by G.
Protein change: p.Val2909=; no amino-acid change (valine 2909 retained).
Molecular consequence: synonymous variant.
Genome position (GRCh38, 1-based): chr12:49,038,629, T>C on the plus strand (A>G on the coding strand, the complement: KMT2D is on the minus strand). VCF-style: chr12-49038629-T-C. GRCh37 (hg19) VCF-style: chr12-49432412-T-C.
Identifiers: ClinVar variation 3061719 (VCV003061719.2), dbSNP rs370382626, ClinGen allele CA6546804.
Genomic context (GRCh38, chr12:49,038,629, plus strand): 5'-AAGACCTGATACCGCCAGGCCCCGAAGCCCTTCAGGAGCCAGTCGGTGGGGGTCCTCACT[T>C]ACAGGGTAAAAACGGGGTCTCTGAGGTGGGCCCTGACCAGGAAACGGAGTGCCCCCAGGT-3'
Protein context (NP_003473.3, residues 2899-2919): GPPQRPRFYP[Val2909=]SEDPHRLAPE

ClinVar aggregate classification (germline): Likely benign (0 of 4 stars; one submission).

Conditions:
KMT2D-related disorder. Also called: KMT2D-Related Disorders.

Allele frequency attached by ClinVar (database versions not stated): gnomAD exomes below 0.00001; ExAC 0.00002; TOPMed 0.00002; gnomAD 0.00003; ESP Exome Variant Server 0.00017.
gnomAD v4.1: 8 of 1,612,938 alleles (0.0005%); highest among the groups gnomAD compares: African/African-American, 0.008%; no homozygotes.

Submission:

PreventionGenetics, part of Exact Sciences
Classification: Likely benign for KMT2D-related condition. Last evaluated: 2022-01-05. Review status: no assertion criteria provided. Collection method: clinical testing. Allele origin: germline.
Comment: This variant is classified as likely benign based on ACMG/AMP sequence variant interpretation guidelines (Richards et al. 2015 PMID: 25741868, with internal and published modifications).